The following is an entry in ClinVar:

ClinVar aggregate classification (germline): Pathogenic. Review status: criteria provided, multiple submitters, no conflicts (2 of 4 stars). 2 submissions from 2 submitters: Pathogenic (2). Last evaluated 2025-02-12.

Conditions:
Hereditary cancer-predisposing syndrome. Also called: Neoplastic Syndromes, Hereditary; Tumor predisposition; Hereditary Cancer Syndrome; Hereditary neoplastic syndrome. Identifiers: Orphanet 140162, MedGen C0027672, MeSH D009386, MONDO:0015356.
Hereditary breast ovarian cancer syndrome. Also called: Hereditary breast and ovarian cancer syndrome; Breast and ovarian cancer; Hereditary breast and/or ovarian cancer syndrome; Hereditary breast and ovarian cancer; BRCA1- and BRCA2-Associated Hereditary Breast and Ovarian Cancer; Hereditary breast and ovarian cancer syndrome (HBOC). Identifiers: Orphanet 145, MedGen C0677776, MeSH D061325, MONDO:0003582. Disease mechanism: loss of function.

Allele frequency attached by ClinVar (database versions not stated): gnomAD exomes below 0.00001.

Submissions (2):

Women's Health and Genetics/Laboratory Corporation of America, LabCorp
Classification: Pathogenic for Hereditary breast ovarian cancer syndrome. Last evaluated: 2025-02-12. Review status: criteria provided, single submitter. Criteria: LabCorp Variant Classification Summary - May 2015. Collection method: clinical testing. Allele origin: germline.
Comment: Variant summary: BRCA2 c.3895G>T (p.Glu1299X) results in a premature termination codon, predicted to cause a truncation of the encoded protein or absence of the protein due to nonsense mediated decay, which are commonly known mechanisms for disease. The variant was absent in 200696 control chromosomes. c.3895G>T has been reported in the literature in in at-least one individuals affected with pancreatic cancer (example: Satake_2023). The following publication has been ascertained in the context of this evaluation (PMID: 37916805). ClinVar contains an entry for this variant (Variation ID: 1735936). Based on the evidence outlined above, the variant was classified as pathogenic.

Ambry Genetics
Classification: Pathogenic for Hereditary cancer-predisposing syndrome. Last evaluated: 2021-06-22. Review status: criteria provided, single submitter. Criteria: Ambry Variant Classification Scheme 2023. Collection method: clinical testing. Allele origin: germline.
Comment: The p.E1299* variant (also known as c.3895G>T), located in coding exon 10 of the BRCA2 gene, results from a G to T substitution at nucleotide position 3895. This changes the amino acid from a glutamic acid to a stop codon within coding exon 10. This variant is considered to be rare based on population cohorts in the Genome Aggregation Database (gnomAD). In addition to the information presented in the literature, this alteration is expected to result in loss of function by premature protein truncation or nonsense-mediated mRNA decay. As such, this alteration is interpreted as a disease-causing mutation.

Literature cited by the submitters: PubMed 37916805 (cited by Women's Health and Genetics/Laboratory Corporation of America, LabCorp); PubMed 29176636 (cited by Ambry Genetics); PubMed 30652428 (cited by Ambry Genetics).

NM_000059.4(BRCA2):c.3895G>T (p.Glu1299Ter)

Gene: BRCA2 (BRCA2 DNA repair associated; plus strand). Cytogenetic location: 13q13.1.
Variant type: single nucleotide variant.
Coding change: c.3895G>T on transcript NM_000059.4 (MANE Select); coding-DNA position 3895, G replaced by T.
Protein change: p.Glu1299Ter; replaces glutamic acid 1299 with a stop codon.
Molecular consequence: nonsense.
Genome position (GRCh38, 1-based): chr13:32,338,250, G>T. VCF-style: chr13-32338250-G-T. GRCh37 (hg19) VCF-style: chr13-32912387-G-T.
Other names: c.3895G>T (NM_000059.3); short protein forms E1299*.
Identifiers: ClinVar variation 1735936 (VCV001735936.3), dbSNP rs2137501010, ClinGen allele CA387778778.